The following is an entry in ClinVar:

NM_003872.3(NRP2):c.358C>T (p.Leu120Phe)

Gene: NRP2 (neuropilin 2; plus strand). Cytogenetic location: 2q33.3.
Variant type: single nucleotide variant.
Coding change: c.358C>T on transcript NM_003872.3 (MANE Select); coding-DNA position 358, C replaced by T.
Protein change: p.Leu120Phe; replaces leucine 120 with phenylalanine.
Molecular consequence: missense variant.
Genome position (GRCh38, 1-based): chr2:205,716,299, C>T. VCF-style: chr2-205716299-C-T. GRCh37 (hg19) VCF-style: chr2-206581023-C-T.
Other names: c.358C>T, p.Leu120Phe (NM_018534.4, NM_201264.2, NM_201266.2 and 2 more transcripts); short protein forms L120F.
Identifiers: ClinVar variation 4985688 (VCV004985688.1).

ClinVar aggregate classification (germline): Uncertain significance (1 of 4 stars; one submission).

Conditions:
NRP2-related disorder. Also called: NRP2-related condition.

gnomAD v4.1: 5 of 1,614,184 alleles (0.00031%); highest among the groups gnomAD compares: Non-Finnish European, 0.00042%; no homozygotes.

Submission:

PreventionGenetics, part of Exact Sciences
Classification: Uncertain significance for NRP2-related condition. Last evaluated: 2026-03-19. Review status: criteria provided, single submitter. Criteria: ACMG Guidelines, 2015. Collection method: clinical testing. Allele origin: germline.
Comment: The NRP2 c.358C>T variant is predicted to result in the amino acid substitution p.Leu120Phe. To our knowledge, this variant has not been reported in the literature or in a large population database (gnomAD), indicating this variant is rare. At this time, the clinical significance of this variant is uncertain due to the absence of conclusive functional and genetic evidence.